The following is an entry in ClinVar:

NM_001478.5(B4GALNT1):c.1094C>G (p.Thr365Arg)

Gene: B4GALNT1 (beta-1,4-N-acetyl-galactosaminyltransferase 1; minus strand). Cytogenetic location: 12q13.3.
Variant type: single nucleotide variant.
Coding change: c.1094C>G on transcript NM_001478.5 (MANE Select); coding-DNA position 1094, C replaced by G.
Protein change: p.Thr365Arg; replaces threonine 365 with arginine.
Molecular consequence: missense variant.
Genome position (GRCh38, 1-based): chr12:57,628,171, G>C on the plus strand (C>G on the coding strand, the complement: B4GALNT1 is on the minus strand). VCF-style: chr12-57628171-G-C. GRCh37 (hg19) VCF-style: chr12-58021954-G-C.
Other names: c.929C>G, p.Thr310Arg (NM_001276468.2, NM_001413978.1); c.1229C>G, p.Thr410Arg (NM_001413967.1, NM_001413968.1, NM_001413969.1); c.1094C>G, p.Thr365Arg (NM_001413970.1, NM_001413971.1, NM_001413972.1 and 2 more transcripts); c.995C>G, p.Thr332Arg (NM_001413977.1); c.242C>G, p.Thr81Arg (NM_001413981.1); c.107C>G, p.Thr36Arg (NM_001413982.1, NM_001413983.1, NM_001413984.1); c.1094C>G (NM_001478.4); short protein forms T332R, T81R, T365R, T410R, T310R, T36R.
Identifiers: ClinVar variation 2304138 (VCV002304138.3), dbSNP rs145474220, ClinGen allele CA385495478.

ClinVar aggregate classification (germline): Uncertain significance. Review status: criteria provided, multiple submitters, no conflicts (2 of 4 stars). 2 submissions from 2 submitters: Uncertain significance (2). Last evaluated 2023-01-31.

Conditions:
Inborn genetic diseases. Identifiers: MedGen C0950123, MeSH D030342.

gnomAD v4.1: 13 of 1,614,124 alleles (0.00081%); highest among the groups gnomAD compares: African/African-American, 0.0013%; no homozygotes.

Submissions (2):

GeneDx
Classification: Uncertain significance. Last evaluated: 2023-01-31. Review status: criteria provided, single submitter. Criteria: GeneDx Variant Classification Process June 2021. Collection method: clinical testing. Allele origin: germline. Affected: yes.
Comment: Not observed at significant frequency in large population cohorts (gnomAD); In silico analysis supports that this missense variant has a deleterious effect on protein structure/function; Has not been previously published as pathogenic or benign to our knowledge

Ambry Genetics
Classification: Uncertain significance for Inborn genetic diseases. Last evaluated: 2022-08-01. Review status: criteria provided, single submitter. Criteria: Ambry Variant Classification Scheme 2023. Collection method: clinical testing. Allele origin: germline.
Comment: The c.1094C>G (p.T365R) alteration is located in exon 9 (coding exon 8) of the B4GALNT1 gene. This alteration results from a C to G substitution at nucleotide position 1094, causing the threonine (T) at amino acid position 365 to be replaced by an arginine (R). Based on data from gnomAD, the G allele has an overall frequency of <0.001% (1/251408) total alleles studied. The highest observed frequency was <0.001% (1/113708) of European (non-Finnish) alleles. The in silico prediction for this alteration is inconclusive. Based on insufficient or conflicting evidence, the clinical significance of this alteration remains unclear.